The following is an entry in ClinVar:

ClinVar aggregate classification (germline): Uncertain significance (1 of 4 stars; one submission).

Conditions:
ADCY3-related disorder. Also called: ADCY3-related condition.

gnomAD v4.1: 13 of 1,614,246 alleles (0.00081%); highest among the groups gnomAD compares: African/African-American, 0.013%; no homozygotes.

Submission:

PreventionGenetics, part of Exact Sciences
Classification: Uncertain significance for ADCY3-related condition. Last evaluated: 2025-10-24. Review status: criteria provided, single submitter. Criteria: ACMG Guidelines, 2015. Collection method: clinical testing. Allele origin: germline.
Comment: The ADCY3 c.2348T>C variant is predicted to result in the amino acid substitution p.Val783Ala. To our knowledge, this variant has not been reported in the literature. This variant is reported in 0.024% of alleles in individuals of African descent in gnomAD. At this time, the clinical significance of this variant is uncertain due to the absence of conclusive functional and genetic evidence.

NM_004036.5(ADCY3):c.2348T>C (p.Val783Ala)

Gene: ADCY3 (adenylate cyclase 3; minus strand). Cytogenetic location: 2p23.3.
Variant type: single nucleotide variant.
Coding change: c.2348T>C on transcript NM_004036.5 (MANE Select); coding-DNA position 2348, T replaced by C.
Protein change: p.Val783Ala; replaces valine 783 with alanine.
Molecular consequence: missense variant. On other transcripts: intron variant (1).
Genome position (GRCh38, 1-based): chr2:24,827,986, A>G on the plus strand (T>C on the coding strand, the complement: ADCY3 is on the minus strand). VCF-style: chr2-24827986-A-G. GRCh37 (hg19) VCF-style: chr2-25050855-A-G.
Other names: c.2348T>C, p.Val783Ala (NM_001320613.2, NM_001377132.1); c.2414T>C, p.Val805Ala (NM_001377128.1); c.2210T>C, p.Val737Ala (NM_001377129.1); c.1625T>C, p.Val542Ala (NM_001377131.1); c.2172+2723T>C (NM_001377130.1); short protein forms V737A, V542A, V783A, V805A.
Identifiers: ClinVar variation 4989606 (VCV004989606.1).
Genomic context (GRCh38, chr2:24,827,986, plus strand): 5'-TCGTATTCATCAAAGACGGGACGCCAGGCATAGAGGTTGATGGTGGCCACGGCGCCTGCG[A>G]CGAGCAGCATGAGCGTGAGCTTCACCATGTGGCTGACCTGCACCAGCATGATGGTGGCGA-3'
Protein context (NP_004027.2, residues 773-793): HMVKLTLMLL[Val783Ala]AGAVATINLY